The following is an entry in ClinVar:

ClinVar aggregate classification (germline): Conflicting classifications of pathogenicity. Review status: criteria provided, conflicting classifications (1 of 4 stars). 4 submissions from 4 submitters: Uncertain significance (3); Likely benign (1). Last evaluated 2026-06-18.

Conditions:
Usher syndrome type 2C. Also called: Usher syndrome, type 2B; USHER SYNDROME, TYPE IIC. Identifiers: Orphanet 231178, Orphanet 886, MedGen C2931213, MONDO:0011558, OMIM 605472.

Allele frequency attached by ClinVar (database versions not stated): gnomAD exomes 0.00001 and 0.00003; ExAC 0.00002; gnomAD 0.00012; ESP Exome Variant Server 0.00016; TOPMed 0.00016.
gnomAD v4.1: 39 of 1,613,862 alleles (0.0024%); highest among the groups gnomAD compares: African/African-American, 0.04%; no homozygotes.

Submissions (4):

Women's Health and Genetics/Laboratory Corporation of America, LabCorp
Classification: Uncertain significance. Last evaluated: 2026-06-18. Review status: criteria provided, single submitter. Criteria: LabCorp Variant Classification Summary - May 2015. Collection method: clinical testing. Allele origin: germline.
Comment: Variant summary: ADGRV1 c.7519A>G (p.Thr2507Ala) results in a non-conservative amino acid change in the encoded protein sequence. Algorithms developed to predict the effect of missense changes on protein structure and function are either unavailable or do not agree on the potential impact of this missense change. The variant allele was found at a frequency of 2.8e-05 in 249164 control chromosomes. The available data on variant occurrences in the general population are insufficient to allow any conclusion about variant significance. To our knowledge, no occurrence of c.7519A>G in individuals affected with ADGRV1-related conditions and no experimental evidence demonstrating its impact on protein function have been reported. ClinVar contains an entry for this variant (Variation ID: 866365). Based on the evidence outlined above, the variant was classified as uncertain significance.

Labcorp Genetics (formerly Invitae), Labcorp
Classification: Likely benign. Last evaluated: 2025-11-27. Review status: criteria provided, single submitter. Criteria: Invitae Variant Classification Sherloc (09022015). Collection method: clinical testing. Allele origin: germline.

Blueprint Genetics
Classification: Uncertain significance. Last evaluated: 2021-02-26. Review status: criteria provided, single submitter. Criteria: ACMG Guidelines, 2015. Collection method: clinical testing. Allele origin: germline.

Baylor Genetics
Classification: Uncertain significance for Usher syndrome type 2C. Last evaluated: 2018-03-02. Review status: criteria provided, single submitter. Criteria: ACMG Guidelines, 2015. Collection method: clinical testing. Allele origin: maternal. Affected: yes.
Comment: This variant was determined to be of uncertain significance according to ACMG Guidelines, 2015 [PMID:25741868].

NM_032119.4(ADGRV1):c.7519A>G (p.Thr2507Ala)

Gene: ADGRV1 (adhesion G protein-coupled receptor V1; plus strand). Cytogenetic location: 5q14.3.
Variant type: single nucleotide variant.
Coding change: c.7519A>G on transcript NM_032119.4 (MANE Select); coding-DNA position 7519, A replaced by G.
Protein change: p.Thr2507Ala; replaces threonine 2507 with alanine.
Molecular consequence: missense variant. On other transcripts: non-coding transcript variant (1).
Genome position (GRCh38, 1-based): chr5:90,694,275, A>G. VCF-style: chr5-90694275-A-G. GRCh37 (hg19) VCF-style: chr5-89990092-A-G.
Other names: short protein forms T2507A.
Identifiers: ClinVar variation 866365 (VCV000866365.12), dbSNP rs368806892, ClinGen allele CA3340049.